The following is an entry in ClinVar:

ClinVar aggregate classification (germline): Pathogenic (1 of 4 stars; one submission).

Conditions:
Phenylketonuria (PKU). Also called: OLIGOPHRENIA PHENYLPYRUVICA; Phenylketonuria (PKU); Phenylketonurias; FOLLING DISEASE. Identifiers: Orphanet 716, MedGen C0031485, MONDO:0009861, OMIM 261600. Disease mechanism: loss of function.

Allele frequency attached by ClinVar (database versions not stated): gnomAD exomes below 0.00001.

Submission:

Labcorp Genetics (formerly Invitae), Labcorp
Classification: Pathogenic for Phenylketonuria. Last evaluated: 2024-04-15. Review status: criteria provided, single submitter. Criteria: Invitae Variant Classification Sherloc (09022015). Collection method: clinical testing. Allele origin: germline.
Comment: This sequence change replaces valine, which is neutral and non-polar, with phenylalanine, which is neutral and non-polar, at codon 45 of the PAH protein (p.Val45Phe). This variant is not present in population databases (gnomAD no frequency). This missense change has been observed in individual(s) with clinical features of hyperphenylalaninemia (Invitae). In at least one individual the data is consistent with being in trans (on the opposite chromosome) from a pathogenic variant. ClinVar contains an entry for this variant (Variation ID: 972021). Advanced modeling of protein sequence and biophysical properties (such as structural, functional, and spatial information, amino acid conservation, physicochemical variation, residue mobility, and thermodynamic stability) performed at Invitae indicates that this missense variant is not expected to disrupt PAH protein function with a negative predictive value of 80%. This variant disrupts the p.Val45 amino acid residue in PAH. Other variant(s) that disrupt this residue have been observed in individuals with PAH-related conditions (PMID: 22513348, 32668217), which suggests that this may be a clinically significant amino acid residue. For these reasons, this variant has been classified as Pathogenic.

Literature cited by the submitters: PubMed 22513348; PubMed 32668217.

NM_000277.3(PAH):c.133G>T (p.Val45Phe)

Gene: PAH (phenylalanine hydroxylase; minus strand). Cytogenetic location: 12q23.2.
Variant type: single nucleotide variant.
Coding change: c.133G>T on transcript NM_000277.3 (MANE Select); coding-DNA position 133, G replaced by T.
Protein change: p.Val45Phe; replaces valine 45 with phenylalanine.
Molecular consequence: missense variant.
Genome position (GRCh38, 1-based): chr12:102,912,826, C>A on the plus strand (G>T on the coding strand, the complement: PAH is on the minus strand). VCF-style: chr12-102912826-C-A. GRCh37 (hg19) VCF-style: chr12-103306604-C-A.
Other names: c.133G>T, p.Val45Phe (NM_001354304.2); short protein forms V45F.
Identifiers: ClinVar variation 972021 (VCV000972021.6), dbSNP rs1878255139, ClinGen allele CA386302394.
Genomic context (GRCh38, chr12:102,912,826, plus strand): 5'-AGACAAACATGATTGTAGCACTGACCTCAAATAAGCGCAATACTTTGGCCAATGCACCAA[C>A]TTCTTCTTTGAGTGAGAAGATCAGTGATATGGCACCATTTTGATTGCAGTTGTCTTCAAT-3'
Protein context (NP_000268.1, residues 35-55): ISLIFSLKEE[Val45Phe]GALAKVLRLF